The following is an entry in ClinVar:

NM_001129.5(AEBP1):c.739T>C (p.Phe247Leu)

Gene: AEBP1 (AE binding protein 1; plus strand). Cytogenetic location: 7p13.
Variant type: single nucleotide variant.
Coding change: c.739T>C on transcript NM_001129.5 (MANE Select); coding-DNA position 739, T replaced by C.
Protein change: p.Phe247Leu; replaces phenylalanine 247 with leucine.
Molecular consequence: missense variant.
Genome position (GRCh38, 1-based): chr7:44,107,700, T>C. VCF-style: chr7-44107700-T-C. GRCh37 (hg19) VCF-style: chr7-44147299-T-C.
Other names: p.Phe247Leu; c.739T>C (NM_001129.4); short protein forms F247L.
Identifiers: ClinVar variation 2151125 (VCV002151125.9), dbSNP rs141311453, ClinGen allele CA4237593.

ClinVar aggregate classification (germline): Uncertain significance. Review status: criteria provided, multiple submitters, no conflicts (2 of 4 stars). 5 submissions from 5 submitters: Uncertain significance (5). Last evaluated 2026-03-03.

Allele frequency attached by ClinVar (database versions not stated): ExAC 0.00011; gnomAD exomes 0.00012; TOPMed 0.00013; ESP Exome Variant Server 0.00015; gnomAD 0.00015.

Submissions (5):

Women's Health and Genetics/Laboratory Corporation of America, LabCorp
Classification: Uncertain significance. Last evaluated: 2026-03-03. Review status: criteria provided, single submitter. Criteria: LabCorp Variant Classification Summary - May 2015. Collection method: clinical testing. Allele origin: germline.
Comment: Variant summary: AEBP1 c.739T>C (p.Phe247Leu) results in a non-conservative amino acid change in the encoded protein sequence. Algorithms developed to predict the effect of missense changes on protein structure and function are either unavailable or do not agree on the potential impact of this missense change. Consensus agreement among computation tools predict no significant impact on normal splicing. However, these predictions have yet to be confirmed by functional studies. The variant allele was found at a frequency of 0.00012 in 250590 control chromosomes. This frequency is not significantly higher than estimated for disease-causing variants in AEBP1, allowing no conclusion about variant significance. To our knowledge, no occurrence of c.739T>C in individuals affected with AEBP1-related conditions and no experimental evidence demonstrating its impact on protein function have been reported. ClinVar contains an entry for this variant (Variation ID: 2151125). Based on the evidence outlined above, the variant was classified as uncertain significance.

Mayo Clinic Laboratories, Mayo Clinic
Classification: Uncertain significance. Last evaluated: 2024-12-17. Review status: criteria provided, single submitter. Criteria: ACMG Guidelines, 2015. Collection method: clinical testing. Allele origin: germline. Observed: 3 variant alleles.
Comment: BP4_moderate

Blueprint Genetics
Classification: Uncertain significance. Last evaluated: 2024-11-26. Review status: criteria provided, single submitter. Criteria: ACMG Guidelines, 2015. Collection method: clinical testing. Allele origin: germline.

Labcorp Genetics (formerly Invitae), Labcorp
Classification: Uncertain significance. Last evaluated: 2024-11-11. Review status: criteria provided, single submitter. Criteria: Invitae Variant Classification Sherloc (09022015). Collection method: clinical testing. Allele origin: germline.
Comment: This sequence change replaces phenylalanine, which is neutral and non-polar, with leucine, which is neutral and non-polar, at codon 247 of the AEBP1 protein (p.Phe247Leu). This variant is present in population databases (rs141311453, gnomAD 0.03%). This variant has not been reported in the literature in individuals affected with AEBP1-related conditions. ClinVar contains an entry for this variant (Variation ID: 2151125). An algorithm developed to predict the effect of missense changes on protein structure and function (PolyPhen-2) suggests that this variant is likely to be disruptive. In summary, the available evidence is currently insufficient to determine the role of this variant in disease. Therefore, it has been classified as a Variant of Uncertain Significance.

GeneDx
Classification: Uncertain significance. Last evaluated: 2024-01-17. Review status: criteria provided, single submitter. Criteria: GeneDx Variant Classification Process June 2021. Collection method: clinical testing. Allele origin: germline. Affected: yes.
Comment: In silico analysis supports that this missense variant does not alter protein structure/function; Has not been previously published as pathogenic or benign to our knowledge